The following is an entry in ClinVar:

ClinVar aggregate classification (germline): Pathogenic. Review status: criteria provided, multiple submitters, no conflicts (2 of 4 stars). 5 submissions from 5 submitters: Pathogenic (5). Last evaluated 2026-01-26.

Conditions:
Inborn genetic diseases. Identifiers: MedGen C0950123, MeSH D030342.
Lissencephaly type 1 due to doublecortin gene mutation. Also called: LISSENCEPHALY, X-LINKED, 1; LISSENCEPHALY AND AGENESIS OF CORPUS CALLOSUM. Identifiers: Orphanet 2148, MedGen C4551968, MONDO:0010239, OMIM 300067.
Ectopic tissue. Also called: Heterotopia. Identifiers: MedGen C0008519.

Allele frequency attached by ClinVar (database versions not stated): gnomAD exomes below 0.00001.

Submissions (5):

Medical and Scientific Branch, Hong Kong Genome Institute
Classification: Pathogenic for Lissencephaly type 1 due to doublecortin gene mutation. Last evaluated: 2026-01-26. Review status: criteria provided, single submitter. Criteria: ACMG Guidelines, 2015. Collection method: clinical testing. Allele origin: de novo. Affected: yes.

Department of Human Genetics, Hannover Medical School
Classification: Pathogenic for Lissencephaly type 1 due to doublecortin gene mutation. Last evaluated: 2024-09-04. Review status: criteria provided, single submitter. Criteria: ACMG Guidelines, 2015. Collection method: clinical testing. Allele origin: germline. Inheritance: X-linked dominant inheritance. Affected: yes.

Labcorp Genetics (formerly Invitae), Labcorp
Classification: Pathogenic. Last evaluated: 2022-10-04. Review status: criteria provided, single submitter. Criteria: Invitae Variant Classification Sherloc (09022015). Collection method: clinical testing. Allele origin: germline.
Comment: For these reasons, this variant has been classified as Pathogenic. ClinVar contains an entry for this variant (Variation ID: 158425). This premature translational stop signal has been observed in individual(s) with subcortical band heterotopia (PMID: 9618162). This variant is not present in population databases (gnomAD no frequency). This sequence change creates a premature translational stop signal (p.Arg39*) in the DCX gene. It is expected to result in an absent or disrupted protein product. Loss-of-function variants in DCX are known to be pathogenic (PMID: 11175293, 23365099).

Ambry Genetics
Classification: Pathogenic for Inborn genetic diseases. Last evaluated: 2022-06-17. Review status: criteria provided, single submitter. Criteria: Ambry Variant Classification Scheme 2023. Collection method: clinical testing. Allele origin: germline.
Comment: The c.115C>T (p.R39*) alteration, located in exon 2 (coding exon 1) of the DCX gene, consists of a C to T substitution at nucleotide position 115. This changes the amino acid from a arginine (R) to a stop codon at amino acid position 39. This alteration is expected to result in loss of function by premature protein truncation or nonsense-mediated mRNA decay. This variant was not reported in population-based cohorts in the Genome Aggregation Database (gnomAD). This alteration has been detected in multiple female patients with DCX-related lissencephaly (Des Portes, 1998; Spencer-Smith, 2009), including as a de novo event in multiple unrelated female patients with subcortical band heterotopia (Bahi-Buisson, 2013). In a yeast two-hybrid assay, the p.R39* alteration was shown to cause a complete loss of binding to neurabin II, a protein that is critical for DCX function (Tsukada, 2003). Based on the available evidence, this alteration is classified as pathogenic.

Genetic Services Laboratory, University of Chicago
Classification: Pathogenic for Abnormality of neuronal migration. Last evaluated: 2013-02-08. Review status: criteria provided, single submitter. Criteria: ACMG Guidelines, 2007. Collection method: clinical testing. Allele origin: germline. Inheritance: Autosomal dominant inheritance. Affected: yes.

Literature cited by the submitters: PubMed 9618162 (cited by Labcorp Genetics (formerly Invitae), Labcorp and Ambry Genetics); PubMed 11175293 (cited by Labcorp Genetics (formerly Invitae), Labcorp); PubMed 23365099 (cited by Labcorp Genetics (formerly Invitae), Labcorp and Ambry Genetics); PubMed 14550532 (cited by Ambry Genetics); PubMed 19416314 (cited by Ambry Genetics).

NM_001195553.2(DCX):c.115C>T (p.Arg39Ter)

Gene: DCX (doublecortin; minus strand). Cytogenetic location: Xq23.
Variant type: single nucleotide variant.
Coding change: c.115C>T on transcript NM_001195553.2 (MANE Select); coding-DNA position 115, C replaced by T.
Protein change: p.Arg39Ter; replaces arginine 39 with a stop codon.
Molecular consequence: nonsense.
Genome position (GRCh38, 1-based): chrX:111,410,284, G>A on the plus strand (C>T on the coding strand, the complement: DCX is on the minus strand). VCF-style: chrX-111410284-G-A. GRCh37 (hg19) VCF-style: chrX-110653512-G-A.
Other names: c.115C>T (NM_178153.2); c.358C>T, p.Arg120Ter (NM_000555.3); c.115C>T, p.Arg39Ter (NM_001369370.1, NM_001369371.1, NM_001369372.1 and 5 more transcripts); short protein forms R39*, R120*.
Identifiers: ClinVar variation 158425 (VCV000158425.12), dbSNP rs587783519, ClinGen allele CA171846.
Genomic context (GRCh38, chrX:111,410,284, plus strand): 5'-GGTAGAAACGTACCTTCTTGGCTTTCTTCTCATTACTCAGTGCCTGCAAGGTTCTGGTTC[G>A]GTAGAAGCTACAGTGGGCGCTGTGAGTGGGGCTAGGCAACCCATTCATCCGGGAGCCTCG-3'